The following is an entry in ClinVar:

NM_001379210.1(SLC25A26):c.654dup (p.Gly219fs)

Gene: SLC25A26 (solute carrier family 25 member 26; plus strand). Cytogenetic location: 3p14.1.
Variant type: Duplication.
Coding change: c.654dup on transcript NM_001379210.1 (MANE Select); coding-DNA position 654, one base duplicated (T; older notation c.654dupT).
Protein change: p.Gly219fs; shifts the reading frame from glycine 219.
Molecular consequence: frameshift variant. On other transcripts: non-coding transcript variant (15).
Genome position (GRCh38, 1-based): chr3:66,370,549, T duplicated. VCF-style (leftmost placement, unchanged base first): chr3-66370548-A-AT. GRCh37 (hg19) VCF-style: chr3-66420972-A-AT.
Other names: c.390dup, p.Gly131fs (NM_001164796.1, NM_001350993.1, NM_001400709.1 and 1 more transcripts); c.654dup, p.Gly219fs (NM_001400705.1, NM_173471.4); c.609dup, p.Gly204fs (NM_001400707.1); c.345dup, p.Gly116fs (NM_001400714.1); short protein forms G116fs, G131fs, G204fs, G219fs.
Identifiers: ClinVar variation 4883890 (VCV004883890.2).

ClinVar aggregate classification (germline): Uncertain significance (1 of 4 stars; one submission).

Submission:

Dasa
Classification: Uncertain significance. Last evaluated: 2025-12-10. Review status: criteria provided, single submitter. Criteria: DASA Assertion Criteria. Collection method: clinical testing. Allele origin: germline.
Comment: NM_001379210.1(SLC25A26):c.654dup (p.Gly219Trpfs*42) is a frameshift variant in SLC25A26 predicted to alter the reading frame and introduce a premature termination codon and is predicted to result in an absent or altered protein product. This variant is rare in population databases. The currently available literature and clinical evidence are not sufficient to establish a definitive association between this variant and the reported condition. Therefore, this variant is classified as a variant of uncertain significance.